The following is an entry in ClinVar:

ClinVar aggregate classification (germline): Benign. Review status: reviewed by expert panel (3 of 4 stars). 4 submissions from 4 submitters: Benign (1). 3 of the submissions do not count toward it. Last evaluated 2025-09-05.

Conditions:
Primary ciliary dyskinesia. Also called: Ciliary dyskinesia. Identifiers: Orphanet 244, MedGen C0008780, MONDO:0016575, HP:0012265.
RPGR-related retinopathy. Also called: RPGR retinopathy. Identifiers: MedGen CN305589, MONDO:0100437.

Submissions (4):

ClinGen X-linked Inherited Retinal Disease Variant Curation Expert Panel, ClinGen
Classification: Benign for RPGR-related retinopathy. Last evaluated: 2025-09-05. Review status: reviewed by expert panel. Criteria: ClinGen X LinkedIRD ACMG Specifications RPGR V1.0.0. Collection method: curation. Allele origin: germline. Inheritance: X-linked inheritance.
Comment: NM_001034853.2(RPGR):c.2606_2632dup (p.Glu869_Glu877dup) is a short in-frame insertion of 27 base pairs that encode additional residues between amino acids 869 and 877 within a low-complexity region (PMID: 27162334) that extends approximately from amino acids 787–1043 in RPGR (BP3). This variant is present in gnomAD v4.1.0 at a frequency of 0.0003639 among hemizygous individuals, with 75 variant alleles / 206,093 total hemizygous alleles, which is higher than the ClinGen X-linked IRD VCEP BA1 threshold of >0.00005 (BA1). In summary, this variant is classified as benign for RPGR-related retinopathy based on the ClinGen X-linked Inherited Retinal Disease Expert Panel Specifications to the ACMG/AMP Variant Interpretation Guidelines for RPGR Version 1.0.0; BA1 and BP3.

Labcorp Genetics (formerly Invitae), Labcorp
Classification: Likely benign for Primary ciliary dyskinesia. Last evaluated: 2026-02-04. Review status: criteria provided, single submitter. Criteria: Invitae Variant Classification Sherloc (09022015). Collection method: clinical testing. Allele origin: germline. Not counted in ClinVar's aggregate classification.

Blueprint Genetics
Classification: Likely benign. Last evaluated: 2024-11-25. Review status: criteria provided, single submitter. Criteria: ACMG Guidelines, 2015. Collection method: clinical testing. Allele origin: germline. Not counted in ClinVar's aggregate classification.

PreventionGenetics, part of Exact Sciences
Classification: Likely benign. Last evaluated: 2017-09-01. Review status: criteria provided, single submitter. Criteria: ACMG Guidelines, 2015. Collection method: clinical testing. Allele origin: germline. Not counted in ClinVar's aggregate classification.

NM_001034853.2(RPGR):c.2606_2632dup (p.860EEGEEGEGE[3])

Gene: RPGR (retinitis pigmentosa GTPase regulator; minus strand). Cytogenetic location: Xp11.4.
Variant type: Duplication.
Coding change: c.2606_2632dup on transcript NM_001034853.2 (MANE Select); coding-DNA positions 2606 to 2632, 27 bases duplicated (AAGAAGGGGAGGAAGGAGAAGGGGAGG).
Protein change: p.860EEGEEGEGE[3].
Molecular consequence: inframe insertion. On other transcripts: intron variant (8).
Genome position (GRCh38, 1-based): chrX:38,286,367-38,286,393, CCTCCCCTTCTCCTTCCTCCCCTTCTT duplicated on the plus strand (AAGAAGGGGAGGAAGGAGAAGGGGAGG on the coding strand, the reverse complement: RPGR is on the minus strand); duplicating any 27 consecutive bases within chrX:38,286,367-38,286,409 gives the same sequence; the c. name uses the placement nearest the transcript's 3' end. VCF-style (leftmost placement, unchanged base first): chrX-38286366-C-CCCTCCCCTTCTCCTTCCTCCCCTTCTT. GRCh37 (hg19) VCF-style: chrX-38145619-C-CCCTCCCCTTCTCCTTCCTCCCCTTCTT.
Other names: NM_001034853.2(RPGR):c.2606_2632dup; p.860EEGEEGEGE[3]; c.1569+4566_1569+4592dup (NM_001367249.1, NM_001367250.1); c.1902+701_1902+727dup (NM_001367245.1); c.1386+4566_1386+4592dup (NM_001367251.1); c.1719+701_1719+727dup (NM_001367246.1); c.1572+4566_1572+4592dup (NM_001367247.1); c.1905+701_1905+727dup (NM_000328.3); and 1 more.
Identifiers: ClinVar variation 1673564 (VCV001673564.12), dbSNP rs769216492, ClinGen allele CA10385258.